The following is an entry in ClinVar:

ClinVar aggregate classification (germline): Benign/Likely benign. Review status: criteria provided, multiple submitters, no conflicts (2 of 4 stars). 15 submissions from 15 submitters: Benign (10); Likely benign (4). 1 of the submissions does not count toward it. Last evaluated 2026-09-01.

Conditions:
Biotin-responsive basal ganglia disease (BTBGD). Also called: Thiamine metabolism dysfunction syndrome 2 (biotin- or thiamine-responsive encephalopathy type 2); Thiamine Transporter-2 Deficiency; thiamine-responsive encephalopathy; THIAMINE METABOLISM DYSFUNCTION SYNDROME 2 (BIOTIN- AND THIAMINE-RESPONSIVE TYPE); Thiamine metabolism dysfunction syndrome type 2. Identifiers: Orphanet 199348, Orphanet 65284, MedGen C1843807, MONDO:0011841, OMIM 607483.

Allele frequency attached by ClinVar (database versions not stated): 1000 Genomes Project 30x 0.00187; 1000 Genomes Project 0.00220; TOPMed 0.00367; ESP Exome Variant Server 0.00392; gnomAD 0.00577.
gnomAD v4.1: 6,308 of 1,614,090 alleles (0.39%); highest among the groups gnomAD compares: Non-Finnish European, 0.4%; 28 homozygotes.

Submissions (15):

CeGaT Center for Human Genetics Tuebingen
Classification: Likely benign. Last evaluated: 2026-09-01. Review status: criteria provided, single submitter. Criteria: CeGaT Center For Human Genetics Tuebingen Variant Classification Criteria Version 2. Collection method: clinical testing. Allele origin: germline. Affected: yes. Observed: 22 variant alleles.
Comment: SLC19A3: BP4, BS2

Labcorp Genetics (formerly Invitae), Labcorp
Classification: Benign for Biotin-responsive basal ganglia disease. Last evaluated: 2026-02-03. Review status: criteria provided, single submitter. Criteria: Invitae Variant Classification Sherloc (09022015). Collection method: clinical testing. Allele origin: germline.

ARUP Laboratories, Molecular Genetics and Genomics, ARUP Laboratories
Classification: Benign for Biotin-responsive basal ganglia disease. Last evaluated: 2025-03-11. Review status: criteria provided, single submitter. Criteria: ARUP Molecular Germline Variant Investigation Process 2024. Collection method: clinical testing. Allele origin: germline.

Athena Diagnostics
Classification: Benign. Last evaluated: 2025-02-06. Review status: criteria provided, single submitter. Criteria: Athena Diagnostics Criteria. Collection method: clinical testing. Allele origin: unknown.
Comment: The frequency of this variant in the general population is higher than would generally be expected for pathogenic variants in this gene. Computational tools predict this amino acid change may be benign.

Blueprint Genetics
Classification: Likely benign. Last evaluated: 2024-11-22. Review status: criteria provided, single submitter. Criteria: ACMG Guidelines, 2015. Collection method: clinical testing. Allele origin: germline.

Mayo Clinic Laboratories, Mayo Clinic
Classification: Benign. Last evaluated: 2024-03-06. Review status: criteria provided, single submitter. Criteria: ACMG Guidelines, 2015. Collection method: clinical testing. Allele origin: germline. Observed: 21 variant alleles.
Comment: BA1, BS2

Illumina Laboratory Services, Illumina
Classification: Benign for Biotin-responsive basal ganglia disease. Last evaluated: 2017-04-27. Review status: criteria provided, single submitter. Criteria: ICSL Variant Classification Criteria 13 December 2019. Collection method: clinical testing. Allele origin: germline.
Comment: This variant was observed as part of a predisposition screen in an ostensibly healthy population. A literature search was performed for the gene, cDNA change, and amino acid change (where applicable). Publications were found based on this search. The evidence from the literature, in combination with allele frequency data from public databases where available, was sufficient to rule this variant out of causing disease. Therefore, this variant is classified as benign.

Center for Pediatric Genomic Medicine, Children's Mercy Hospital and Clinics
Classification: Benign. Last evaluated: 2017-01-04. Review status: criteria provided, single submitter. Criteria: ACMG Guidelines, 2015. Collection method: clinical testing. Allele origin: germline.

Genetic Services Laboratory, University of Chicago
Classification: Benign. Last evaluated: 2016-03-01. Review status: criteria provided, single submitter. Criteria: ACMG Guidelines, 2015. Collection method: clinical testing. Allele origin: germline. Affected: no.

Eurofins Ntd Llc (ga)
Classification: Benign. Last evaluated: 2016-01-07. Review status: criteria provided, single submitter. Criteria: EGL Classification Definitions 2015. Collection method: clinical testing. Allele origin: germline. Observed: 1 variant allele, 1 heterozygote.

Genome Diagnostics Laboratory, University Medical Center Utrecht
Classification: Likely benign for Biotin-responsive basal ganglia disease. Last evaluated: 2015-02-12. Review status: criteria provided, single submitter. Criteria: ACGS Guidelines, 2013. Collection method: clinical testing. Allele origin: germline. Affected: yes. Study: VKGL Data-share Consensus.

Clinical Genetics DNA and cytogenetics Diagnostics Lab, Erasmus MC, Erasmus Medical Center
Classification: Benign for Biotin-responsive basal ganglia disease. Last evaluated: 2014-12-12. Review status: criteria provided, single submitter. Criteria: ACGS Guidelines, 2013. Collection method: clinical testing. Allele origin: germline. Affected: yes. Study: VKGL Data-share Consensus.

GeneDx
Classification: Benign. Last evaluated: 2013-12-02. Review status: criteria provided, single submitter. Criteria: GeneDx Variant Classification (06012015). Collection method: clinical testing. Allele origin: germline. Affected: yes.
Comment: This variant is considered likely benign or benign based on one or more of the following criteria: it is a conservative change, it occurs at a poorly conserved position in the protein, it is predicted to be benign by multiple in silico algorithms, and/or has population frequency not consistent with disease.

PreventionGenetics, part of Exact Sciences
Classification: Likely benign. Review status: criteria provided, single submitter. Criteria: ACMG Guidelines, 2015. Collection method: clinical testing. Allele origin: germline.

Diagnostic Laboratory, Department of Genetics, University Medical Center Groningen
Classification: Likely benign for Biotin-responsive basal ganglia disease. Review status: no assertion criteria provided. Collection method: clinical testing. Allele origin: germline. Affected: yes. Study: VKGL Data-share Consensus. Not counted in ClinVar's aggregate classification.

Literature cited by the submitters: PubMed 24667528 (cited by Illumina Laboratory Services, Illumina).

NM_025243.4(SLC19A3):c.421G>A (p.Gly141Ser)

Gene: SLC19A3 (solute carrier family 19 member 3; minus strand). Cytogenetic location: 2q36.3.
Variant type: single nucleotide variant.
Coding change: c.421G>A on transcript NM_025243.4 (MANE Select); coding-DNA position 421, G replaced by A.
Protein change: p.Gly141Ser; replaces glycine 141 with serine.
Molecular consequence: missense variant.
Genome position (GRCh38, 1-based): chr2:227,699,294, C>T on the plus strand (G>A on the coding strand, the complement: SLC19A3 is on the minus strand). VCF-style: chr2-227699294-C-T. GRCh37 (hg19) VCF-style: chr2-228564010-C-T.
Other names: p.G141S:GGC>AGC; p.Gly141Ser; short protein forms G141S.
Identifiers: ClinVar variation 139123 (VCV000139123.71), dbSNP rs148144444, ClinGen allele CA302936.